The following is an entry in ClinVar:

ClinVar aggregate classification (germline): Uncertain significance (1 of 4 stars; one submission).

Conditions:
Fanconi anemia (FA). Also called: Fanconi's anemia. Identifiers: Orphanet 84, MedGen C0015625, MeSH D005199, MONDO:0019391.

Allele frequency attached by ClinVar (database versions not stated): TOPMed 0.00001; gnomAD 0.00002; gnomAD exomes 0.00004 and 0.00007; ExAC 0.00007; 1000 Genomes Project 30x 0.00031; 1000 Genomes Project 0.00040.
gnomAD v4.1: 103 of 1,613,700 alleles (0.0064%); highest among the groups gnomAD compares: East Asian, 0.23%; no homozygotes.

Submission:

Labcorp Genetics (formerly Invitae), Labcorp
Classification: Uncertain significance for Fanconi anemia. Last evaluated: 2026-01-24. Review status: criteria provided, single submitter. Criteria: Invitae Variant Classification Sherloc (09022015). Collection method: clinical testing. Allele origin: germline.
Comment: This sequence change replaces serine, which is neutral and polar, with leucine, which is neutral and non-polar, at codon 915 of the FANCD2 protein (p.Ser915Leu). This variant is present in population databases (rs181274599, gnomAD 0.07%). This variant has not been reported in the literature in individuals affected with FANCD2-related conditions. ClinVar contains an entry for this variant (Variation ID: 1423334). Invitae Evidence Modeling of protein sequence and biophysical properties (such as structural, functional, and spatial information, amino acid conservation, physicochemical variation, residue mobility, and thermodynamic stability) indicates that this missense variant is not expected to disrupt FANCD2 protein function with a negative predictive value of 80%. In summary, the available evidence is currently insufficient to determine the role of this variant in disease. Therefore, it has been classified as a Variant of Uncertain Significance.

NM_001018115.3(FANCD2):c.2744C>T (p.Ser915Leu)

Genes: FANCD2 (FA complementation group D2; plus strand), LOC107303338 (3p25 FANCD2 Alu-mediated recombination region; plus strand). Cytogenetic location: 3p25.3.
Variant type: single nucleotide variant.
Coding change: c.2744C>T on transcript NM_001018115.3 (MANE Select); coding-DNA position 2744, C replaced by T.
Protein change: p.Ser915Leu; replaces serine 915 with leucine.
Molecular consequence: missense variant.
Genome position (GRCh38, 1-based): chr3:10,074,558, C>T. VCF-style: chr3-10074558-C-T. GRCh37 (hg19) VCF-style: chr3-10116242-C-T.
Other names: c.2744C>T, p.Ser915Leu (NM_001319984.2, NM_001374254.1, NM_033084.6); c.2633C>T, p.Ser878Leu (NM_001374253.1); short protein forms S878L, S915L.
Identifiers: ClinVar variation 1423334 (VCV001423334.7), dbSNP rs181274599, ClinGen allele CA2250179.